The following is an entry in ClinVar:

NM_001042492.3(NF1):c.2155dup (p.Ile719fs)

Gene: NF1 (neurofibromin 1; plus strand). Cytogenetic location: 17q11.2.
Variant type: Duplication.
Coding change: c.2155dup on transcript NM_001042492.3 (MANE Select); coding-DNA position 2155, one base duplicated (A; older notation c.2155dupA).
Protein change: p.Ile719fs; shifts the reading frame from isoleucine 719.
Molecular consequence: frameshift variant.
Genome position (GRCh38, 1-based): chr17:31,226,588, A duplicated. VCF-style (leftmost placement, unchanged base first): chr17-31226587-T-TA. GRCh37 (hg19) VCF-style: chr17-29553605-T-TA.
Other names: c.2155dup, p.Ile719Asnfs (NM_000267.4); short protein forms I719fs.
Identifiers: ClinVar variation 2025849 (VCV002025849.5), dbSNP rs2508157122, ClinGen allele CA2580093161.

ClinVar aggregate classification (germline): Pathogenic. Review status: criteria provided, multiple submitters, no conflicts (2 of 4 stars). 2 submissions from 2 submitters: Pathogenic (2). Last evaluated 2025-10-01.

Conditions:
Neurofibromatosis, type 1 (NF1). Also called: VON RECKLINGHAUSEN DISEASE; NEUROFIBROMATOSIS, TYPE I, SOMATIC; Peripheral type neurofibromatosis; Neurofibromatosis, type I. Identifiers: Orphanet 636, MedGen C0027831, MONDO:0018975, OMIM 162200. Disease mechanism: loss of function.
Juvenile myelomonocytic leukemia (JMML). Also called: LEUKEMIA, JUVENILE MYELOMONOCYTIC, SOMATIC. Identifiers: Orphanet 86834, MedGen C0349639, MONDO:0011908, OMIM 607785, HP:0012209.
Café-au-lait macules with pulmonary stenosis (WTSN). Also called: PULMONIC STENOSIS WITH CAFE-AU-LAIT SPOTS. Identifiers: MedGen C0553586, MONDO:0008672, OMIM 193520.
Neurofibromatosis-Noonan syndrome (NFNS). Also called: NEUROFIBROMATOSIS WITH NOONAN PHENOTYPE. Identifiers: Orphanet 638, MedGen C2931482, MONDO:0011035, OMIM 601321. Disease mechanism: loss of function.
Neurofibromatosis, familial spinal (FSNF). Identifiers: Orphanet 636, MedGen C1834235, MONDO:0008078, OMIM 162210. Disease mechanism: loss of function.

Submissions (2):

Labcorp Genetics (formerly Invitae), Labcorp
Classification: Pathogenic for Neurofibromatosis, type 1. Last evaluated: 2025-10-01. Review status: criteria provided, single submitter. Criteria: Invitae Variant Classification Sherloc (09022015). Collection method: clinical testing. Allele origin: germline.
Comment: This sequence change creates a premature translational stop signal (p.Ile719Asnfs*7) in the NF1 gene. It is expected to result in an absent or disrupted protein product. Loss-of-function variants in NF1 are known to be pathogenic (PMID: 10712197, 23913538). This variant is not present in population databases (gnomAD no frequency). This variant has not been reported in the literature in individuals affected with NF1-related conditions. ClinVar contains an entry for this variant (Variation ID: 2025849). For these reasons, this variant has been classified as Pathogenic.

Juno Genomics, Hangzhou Juno Genomics, Inc
Classification: Pathogenic for Café-au-lait macules with pulmonary stenosis; Neurofibromatosis, type 1; Juvenile myelomonocytic leukemia; Neurofibromatosis, familial spinal; Neurofibromatosis-Noonan syndrome. Review status: criteria provided, single submitter. Criteria: ACMG Guidelines, 2015. Collection method: clinical testing. Allele origin: germline. Affected: yes.
Comment: Absent from controls (or at extremely low frequency if recessive) in Genome Aggregation Database.;Null variant in a gene where loss of function (LOF) is a known mechanism of disease.;The prevalence of the variant in affected individuals is significantly increased compared to the prevalence in controls.;Assumed de novo, but without confirmation of paternity and maternity.;Patient's phenotype or family history is highly specific for a disease with a single genetic etiology.

Literature cited by the submitters: PubMed 10712197 (cited by Labcorp Genetics (formerly Invitae), Labcorp); PubMed 23913538 (cited by Labcorp Genetics (formerly Invitae), Labcorp).